The following is an entry in ClinVar:

ClinVar aggregate classification (germline): Uncertain significance (1 of 4 stars; one submission).

Conditions:
Hyperphosphatasia with impaired intellectual development syndrome 2. Also called: Hyperphosphatasia with intellectual disability syndrome 2; GLYCOSYLPHOSPHATIDYLINOSITOL BIOSYNTHESIS DEFECT 6. Identifiers: Orphanet 247262, MedGen C3553637, MONDO:0013882, OMIM 614749.

Allele frequency attached by ClinVar (database versions not stated): gnomAD exomes below 0.00001; ExAC 0.00001.

Submission:

Labcorp Genetics (formerly Invitae), Labcorp
Classification: Uncertain significance for Hyperphosphatasia with impaired intellectual development syndrome 2. Last evaluated: 2021-10-13. Review status: criteria provided, single submitter. Criteria: Invitae Variant Classification Sherloc (09022015). Collection method: clinical testing. Allele origin: germline.
Comment: This sequence change replaces threonine with asparagine at codon 310 of the PIGO protein (p.Thr310Asn). The threonine residue is weakly conserved and there is a small physicochemical difference between threonine and asparagine. This variant is present in population databases (rs770257536, ExAC 0.006%). This variant has not been reported in the literature in individuals affected with PIGO-related conditions. Algorithms developed to predict the effect of missense changes on protein structure and function (SIFT, PolyPhen-2, Align-GVGD) all suggest that this variant is likely to be tolerated. In summary, the available evidence is currently insufficient to determine the role of this variant in disease. Therefore, it has been classified as a Variant of Uncertain Significance.

NM_032634.4(PIGO):c.929C>A (p.Thr310Asn)

Gene: PIGO (phosphatidylinositol glycan anchor biosynthesis class O; minus strand). Cytogenetic location: 9p13.3.
Variant type: single nucleotide variant.
Coding change: c.929C>A on transcript NM_032634.4 (MANE Select); coding-DNA position 929, C replaced by A.
Protein change: p.Thr310Asn; replaces threonine 310 with asparagine.
Molecular consequence: missense variant.
Genome position (GRCh38, 1-based): chr9:35,093,431, G>T on the plus strand (C>A on the coding strand, the complement: PIGO is on the minus strand). VCF-style: chr9-35093431-G-T. GRCh37 (hg19) VCF-style: chr9-35093428-G-T.
Other names: c.929C>A, p.Thr310Asn (NM_001201484.2, NM_152850.4); short protein forms T310N.
Identifiers: ClinVar variation 1490059 (VCV001490059.3), dbSNP rs770257536, ClinGen allele CA5040796.
Genomic context (GRCh38, chr9:35,093,431, plus strand): 5'-AACATGGGCTGATTACTGGGAGAACAGATGAGGAACATCCCAGGCCTCACCTCTGGTGGG[G>T]TGCTGGGGAAGACTGCTGTGGGGCTATACAGAAAGAGAGCAGCTGAGACCTCCAGCTCAC-3'
Protein context (NP_116023.2, residues 300-320): LYSPTAVFPS[Thr310Asn]PPEEPEVIPQ